The following is an entry in ClinVar:

NM_000257.4(MYH7):c.3382G>A (p.Ala1128Thr)

Gene: MYH7 (myosin heavy chain 7; minus strand). Cytogenetic location: 14q11.2.
Variant type: single nucleotide variant.
Coding change: c.3382G>A on transcript NM_000257.4 (MANE Select); coding-DNA position 3382, G replaced by A.
Protein change: p.Ala1128Thr; replaces alanine 1128 with threonine.
Molecular consequence: missense variant.
Genome position (GRCh38, 1-based): chr14:23,420,189, C>T on the plus strand (G>A on the coding strand, the complement: MYH7 is on the minus strand). VCF-style: chr14-23420189-C-T. GRCh37 (hg19) VCF-style: chr14-23889398-C-T.
Other names: p.A1128T:GCC>ACC; NM_000257.3(MYH7):c.3382G>A; short protein forms A1128T.
Identifiers: ClinVar variation 42959 (VCV000042959.35), dbSNP rs199552354, ClinGen allele CA013661.
Genomic context (GRCh38, chr14:23,420,189, plus strand): 5'-CGCTGATCTCCTCCAGCTCCCGAGACAGGTCTGAGCGCAGCTTCTCCACCTTAGCCCTGG[C>T]GGTGCGCTCGGCCTCCAGCTCCTCCTCCAGCTCCTCGATGCGTGCCTGGTCAGACACAAA-3'
Protein context (NP_000248.2, residues 1118-1138): LEEELEAERT[Ala1128Thr]RAKVEKLRSD

ClinVar aggregate classification (germline): Likely benign. Review status: reviewed by expert panel (3 of 4 stars). 14 submissions from 14 submitters: Likely benign (1). 13 of the submissions do not count toward it. Last evaluated 2025-11-11.

Conditions:
Cardiovascular phenotype. Identifiers: MedGen CN230736.
Cardiomyopathy (CMYO). Also called: Cardiomyopathies. Identifiers: Orphanet 167848, MedGen C0878544, MONDO:0004994, HP:0001638. Inheritance: Various modes of inheritance.
Hypertrophic cardiomyopathy. Also called: HYPERTROPHIC MYOCARDIOPATHY. Identifiers: Orphanet 217569, MedGen C0007194, MeSH D002312, MONDO:0005045, HP:0001639.

Allele frequency attached by ClinVar (database versions not stated): ExAC 0.00011; gnomAD 0.00011; gnomAD exomes 0.00011; 1000 Genomes Project 0.00020; TOPMed 0.00029; 1000 Genomes Project 30x 0.00031.
gnomAD v4.1: 112 of 1,607,000 alleles (0.007%); highest among the groups gnomAD compares: Middle Eastern, 0.068%; no homozygotes.

Submissions 1 to 9 of 14:

ClinGen Cardiomyopathy Variant Curation Expert Panel
Classification: Likely benign for Hypertrophic cardiomyopathy. Last evaluated: 2025-11-11. Review status: reviewed by expert panel. Criteria: ClinGen CMP ACMG Specifications v1. Collection method: curation. Allele origin: germline. Inheritance: Autosomal dominant inheritance.
Comment: The c.3382G>A (p.Ala1128Thr) variant in MYH7 has been identified in 0.02% (FAF 95% CI; 10/34232) of Latino chromosomes in gnomAD v2.1.1, which is a high enough frequency to be classified as likely benign based on thresholds defined by the ClinGen Inherited Cardiomyopathy Expert Panel (BS1; Kelly 2018 PMID:29300372). Allowing a variant to reach a likely benign classification based on BS1 alone represents a revision of the original ACMG/AMP framework by ClinGen’s Sequence Variant Interpretation Working Group (Tavtigian 2018 PMID: 29300386). In summary, this variant meets criteria to be classified as likely benign for cardiomyopathy in an autosomal dominant manner. MYH7-specific ACMG/AMP criteria applied (Kelly 2018 PMID:29300372): BS1

Labcorp Genetics (formerly Invitae), Labcorp
Classification: Uncertain significance for Hypertrophic cardiomyopathy. Last evaluated: 2026-01-04. Review status: criteria provided, single submitter. Criteria: Invitae Variant Classification Sherloc (09022015). Collection method: clinical testing. Allele origin: germline. Not counted in ClinVar's aggregate classification.
Comment: This sequence change replaces alanine, which is neutral and non-polar, with threonine, which is neutral and polar, at codon 1128 of the MYH7 protein (p.Ala1128Thr). This variant is present in population databases (rs199552354, gnomAD 0.03%). This missense change has been observed in individual(s) with hypertrophic cardiomyopathy (PMID: 27247418, 31513939). ClinVar contains an entry for this variant (Variation ID: 42959). Invitae Evidence Modeling of protein sequence and biophysical properties (such as structural, functional, and spatial information, amino acid conservation, physicochemical variation, residue mobility, and thermodynamic stability) indicates that this missense variant is expected to disrupt MYH7 protein function with a positive predictive value of 95%. In summary, the available evidence is currently insufficient to determine the role of this variant in disease. Therefore, it has been classified as a Variant of Uncertain Significance.

Molecular Diagnostic Laboratory for Inherited Cardiovascular Disease, Montreal Heart Institute
Classification: Likely benign. Last evaluated: 2025-04-09. Review status: criteria provided, single submitter. Criteria: ACMG Guidelines, 2015. Collection method: clinical testing. Allele origin: germline. Affected: no. Not counted in ClinVar's aggregate classification.
Comment: PP3, BS1

Color Diagnostics, LLC DBA Color Health
Classification: Likely benign for Cardiomyopathy. Last evaluated: 2024-12-19. Review status: criteria provided, single submitter. Criteria: ACMG Guidelines, 2015. Collection method: clinical testing. Allele origin: germline. Not counted in ClinVar's aggregate classification.

GeneDx
Classification: Likely benign. Last evaluated: 2024-10-22. Review status: criteria provided, single submitter. Criteria: GeneDx Variant Classification Process June 2021. Collection method: clinical testing. Allele origin: germline. Affected: yes. Not counted in ClinVar's aggregate classification.
Comment: See Variant Classification Assertion Criteria.

Blueprint Genetics
Classification: Uncertain significance. Last evaluated: 2024-09-20. Review status: criteria provided, single submitter. Criteria: ACMG Guidelines, 2015. Collection method: clinical testing. Allele origin: germline. Not counted in ClinVar's aggregate classification.

All of Us Research Program, National Institutes of Health
Classification: Uncertain significance for Cardiomyopathy. Last evaluated: 2024-02-05. Review status: criteria provided, single submitter. Criteria: ACMG Guidelines, 2015. Collection method: clinical testing. Allele origin: germline. Inheritance: Autosomal dominant inheritance. Observed: 25 variant alleles, 25 heterozygotes. Not counted in ClinVar's aggregate classification.
Comment: This missense variant replaces alanine with threonine at codon 1128 of the MYH7 protein. Computational prediction tool suggests that this variant may not impact protein structure and function (internally defined REVEL score threshold <=0.5, PMID: 27666373). To our knowledge, functional studies have not been reported for this variant. This variant has been reported in a dilated cardiomyopathy subject (Rodriguez-Garcia et al., 2011, abstract) as well as in multiple healthy individuals free of cardiovascular disorders (PMID: 23861362, 24510615). This variant has been identified in 26/236012 chromosomes in the general population by the Genome Aggregation Database (gnomAD). The available evidence is insufficient to determine the role of this variant in disease conclusively. Therefore, this variant is classified as a Variant of Uncertain Significance.

This study involves interpretation of variants in research participants for the purpose of population health screening. Participant phenotype was not available at the time of variant classification. Additional details can be found in publication PMID: 35346344, PMCID: PMC8962531

ARUP Laboratories, Molecular Genetics and Genomics, ARUP Laboratories
Classification: Uncertain significance. Last evaluated: 2023-09-25. Review status: criteria provided, single submitter. Criteria: ARUP Molecular Germline Variant Investigation Process 2024. Collection method: clinical testing. Allele origin: germline. Not counted in ClinVar's aggregate classification.
Comment: The MYH7 c.3382G>A; p.Ala1128Thr variant (rs199552354) is reported in the literature in individuals affected with hypertrophic cardiomyopathy (Ho 2018, Luo 2020, Robyns 2020), but is also found in healthy controls (Kapplinger 2014, Ng 2013). This variant is also reported in ClinVar (Variation ID: 42959), and is found in the Latino/Admixed American population with an allele frequency of 0.029% (10/34232 alleles) in the Genome Aggregation Database. Computational analyses are uncertain whether this variant is neutral or deleterious (REVEL: 0.404). Due to limited information, the clinical significance of this variant is uncertain at this time. References: Ho CY et al. Genotype and Lifetime Burden of Disease in Hypertrophic Cardiomyopathy: Insights from the Sarcomeric Human Cardiomyopathy Registry (SHaRe). Circulation. 2018 Oct 2;138(14):1387-1398. PMID: 30297972. Kapplinger JD et al. Distinguishing hypertrophic cardiomyopathy-associated mutations from background genetic noise. J Cardiovasc Transl Res. 2014 Apr;7(3):347-61. PMID: 24510615. Luo Q et al. Retrospective analysis of clinical phenotype and prognosis of hypertrophic cardiomyopathy complicated with hypertension. Sci Rep. 2020 Jan 15;10(1):349. PMID: 31941943. Ng D et al. Interpreting secondary cardiac disease variants in an exome cohort. Circ Cardiovasc Genet. 2013 Aug;6(4):337-46. PMID: 23861362. Robyns T et al. Clinical and ECG variables to predict the outcome of genetic testing in hypertrophic cardiomyopathy. Eur J Med Genet. 2020 Mar;63(3):103754. PMID: 31513939.

Women's Health and Genetics/Laboratory Corporation of America, LabCorp
Classification: Uncertain significance. Last evaluated: 2023-09-15. Review status: criteria provided, single submitter. Criteria: LabCorp Variant Classification Summary - May 2015. Collection method: clinical testing. Allele origin: germline. Not counted in ClinVar's aggregate classification.
Comment: Variant summary: MYH7 c.3382G>A (p.Ala1128Thr) results in a non-conservative amino acid change located in the Myosin tail domain (IPR002928) of the encoded protein sequence. Four of five in-silico tools predict a damaging effect of the variant on protein function. The variant allele was found at a frequency of 0.00011 in 240554 control chromosomes. This frequency is not significantly higher than estimated for a pathogenic variant in MYH7 causing Cardiomyopathy (0.00011 vs 0.0013), allowing no conclusion about variant significance. c.3382G>A has been reported in the literature in individuals affected with Cardiomyopathy (Homburger_2016, Ho_2018, Kelly_2018, Luo_2020, Robyns_2020), but it has also been reported in unaffected individuals (Ng_2013, Kapplinger_2014). Furthermore, one ClinVar submitter reports internal data of the variant identified in 2 children with DCM and 1 adult with HCM, with one of the children with DCM having inherited the variant from an unaffected parent (SCV000059503.5). A co-occurrence with a pathogenic variant has been reported (TTN c.3382G>A, p.Gln12086X; Internal testing), providing supporting evidence for a benign role. To our knowledge, no experimental evidence demonstrating an impact on protein function has been reported. The following publications have been ascertained in the context of this evaluation (PMID: 23861362, 24510615, 27247418, 27930701, 29300372, 30297972, 31513939, 31941943). Eight submitters have cited clinical-significance assessments for this variant to ClinVar after 2014. Four ClinVar submitters including an expert panel (ClinGen Cardiomyopathy Variant Curation Expert Panel) (evaluation after 2014) cite the variant as likely benign and four ClinVar submitters (evaluation after 2014) cite it as uncertain significance. Based on the evidence outlined above, the variant was classified as VUS-possibly benign.